The following is an entry in ClinVar:

ClinVar aggregate classification (germline): Uncertain significance (1 of 4 stars; one submission).

gnomAD v4.1: 3 of 1,436,736 alleles (0.00021%); highest among the groups gnomAD compares: Non-Finnish European, 0.00028%; no homozygotes.

Submission:

Ambry Genetics
Classification: Uncertain significance. Last evaluated: 2023-09-06. Review status: criteria provided, single submitter. Criteria: Ambry Variant Classification Scheme 2023. Collection method: clinical testing. Allele origin: germline.
Comment: The p.G42S variant (also known as c.124G>A), located in coding exon 1 of the RASA2 gene, results from a G to A substitution at nucleotide position 124. The glycine at codon 42 is replaced by serine, an amino acid with similar properties. This amino acid position is conserved. In addition, this alteration is predicted to be tolerated by in silico analysis. Since supporting evidence is limited at this time, the clinical significance of this alteration remains unclear.

NM_006506.5(RASA2):c.124G>A (p.Gly42Ser)

Genes: RASA2 (RAS p21 protein activator 2; plus strand), LOC129937686 (ATAC-STARR-seq lymphoblastoid silent region 14777; plus strand). Cytogenetic location: 3q23.
Variant type: single nucleotide variant.
Coding change: c.124G>A on transcript NM_006506.5 (MANE Select); coding-DNA position 124, G replaced by A.
Protein change: p.Gly42Ser; replaces glycine 42 with serine.
Molecular consequence: missense variant.
Genome position (GRCh38, 1-based): chr3:141,487,207, G>A. VCF-style: chr3-141487207-G-A. GRCh37 (hg19) VCF-style: chr3-141206049-G-A.
Other names: c.124G>A, p.Gly42Ser (NM_001303245.3, NM_001303246.3); short protein forms G42S.
Identifiers: ClinVar variation 2625076 (VCV002625076.2), dbSNP rs1335032605, ClinGen allele CA354774184.